The following is an entry in ClinVar:

NM_006204.4(PDE6C):c.446C>T (p.Thr149Met)

Gene: PDE6C (phosphodiesterase 6C; plus strand). Cytogenetic location: 10q23.33.
Variant type: single nucleotide variant.
Coding change: c.446C>T on transcript NM_006204.4 (MANE Select); coding-DNA position 446, C replaced by T.
Protein change: p.Thr149Met; replaces threonine 149 with methionine.
Molecular consequence: missense variant.
Genome position (GRCh38, 1-based): chr10:93,613,171, C>T. VCF-style: chr10-93613171-C-T. GRCh37 (hg19) VCF-style: chr10-95372928-C-T.
Other names: short protein forms T149M.
Identifiers: ClinVar variation 301620 (VCV000301620.15), dbSNP rs139652451, ClinGen allele CA5609837.

ClinVar aggregate classification (germline): Conflicting classifications of pathogenicity. Review status: criteria provided, conflicting classifications (1 of 4 stars). 5 submissions from 4 submitters: Uncertain significance (3); Likely benign (2). Last evaluated 2025-12-23.

Conditions:
PDE6C-related disorder. Also called: PDE6C-related condition.
Achromatopsia. Also called: Rod monochromatism. Identifiers: Orphanet 49382, MedGen C0152200, MONDO:0018852, HP:0011516.
Cone dystrophy 4 (COD4). Identifiers: Orphanet 49382, MedGen C2751308, MONDO:0013129, OMIM 613093.

Allele frequency attached by ClinVar (database versions not stated): gnomAD 0.00014 and 0.00015; TOPMed 0.00018; ExAC 0.00019; gnomAD exomes 0.00022; ESP Exome Variant Server 0.00038.
gnomAD v4.1: 167 of 1,613,680 alleles (0.01%); highest among the groups gnomAD compares: African/African-American, 0.033%; 1 homozygote.

Submissions (5):

Labcorp Genetics (formerly Invitae), Labcorp
Classification: Likely benign. Last evaluated: 2025-12-23. Review status: criteria provided, single submitter. Criteria: Invitae Variant Classification Sherloc (09022015). Collection method: clinical testing. Allele origin: germline.

PreventionGenetics, part of Exact Sciences
Classification: Likely benign for PDE6C-related condition. Last evaluated: 2025-06-24. Review status: criteria provided, single submitter. Criteria: ACMG Guidelines, 2015. Collection method: clinical testing. Allele origin: germline.
Comment: This variant is classified as likely benign based on ACMG/AMP sequence variant interpretation guidelines (Richards et al. 2015 PMID: 25741868, with internal and published modifications).

Blueprint Genetics
Classification: Uncertain significance. Last evaluated: 2024-07-18. Review status: criteria provided, single submitter. Criteria: ACMG Guidelines, 2015. Collection method: clinical testing. Allele origin: germline.

Illumina Laboratory Services, Illumina
Classification: Uncertain significance for Achromatopsia. Last evaluated: 2018-01-12. Review status: criteria provided, single submitter. Criteria: ICSL Variant Classification Criteria 13 December 2019. Collection method: clinical testing. Allele origin: germline.

Illumina Laboratory Services, Illumina
Classification: Uncertain significance for Cone dystrophy 4. Last evaluated: 2018-01-12. Review status: criteria provided, single submitter. Criteria: ICSL Variant Classification Criteria 13 December 2019. Collection method: clinical testing. Allele origin: germline.